The following is an entry in ClinVar:

NM_004304.5(ALK):c.3515+97G>A

Gene: ALK (ALK receptor tyrosine kinase; minus strand). Cytogenetic location: 2p23.2.
Variant type: single nucleotide variant.
Coding change: c.3515+97G>A on transcript NM_004304.5 (MANE Select); 97 bases into the intron after coding-DNA position 3515, G replaced by A.
Molecular consequence: intron variant.
Genome position (GRCh38, 1-based): chr2:29,222,247, C>T on the plus strand (G>A on the coding strand, the complement: ALK is on the minus strand). VCF-style: chr2-29222247-C-T. GRCh37 (hg19) VCF-style: chr2-29445113-C-T.
Other names: c.311+97G>A (NM_001353765.2).
Identifiers: ClinVar variation 677843 (VCV000677843.2), dbSNP rs72852030, ClinGen allele CA44656557.

ClinVar aggregate classification (germline): Benign. Review status: criteria provided, multiple submitters, no conflicts (2 of 4 stars). 2 submissions from 2 submitters: Benign (2). Last evaluated 2018-06-16.

Allele frequency attached by ClinVar (database versions not stated): gnomAD exomes 0.01815; gnomAD 0.03769 and 0.03970; 1000 Genomes Project 0.03774; TOPMed 0.04042; 1000 Genomes Project 30x 0.04107.
gnomAD v4.1: 23,527 of 1,125,338 alleles (2.1%); highest among the groups gnomAD compares: African/African-American, 8.9%; 461 homozygotes.

Submissions (2):

GeneDx
Classification: Benign. Last evaluated: 2018-06-16. Review status: criteria provided, single submitter. Criteria: GeneDx Variant Classification (06012015). Collection method: clinical testing. Allele origin: germline. Affected: yes.
Comment: This variant is considered likely benign or benign based on one or more of the following criteria: it is a conservative change, it occurs at a poorly conserved position in the protein, it is predicted to be benign by multiple in silico algorithms, and/or has population frequency not consistent with disease.

Breakthrough Genomics
Classification: Benign. Review status: criteria provided, single submitter. Criteria: ACMG Guidelines, 2015. Collection method: not provided. Allele origin: germline. Inheritance: Unknown mechanism. Affected: yes.